The following is an entry in ClinVar:

NM_015910.7(WDPCP):c.500-313A>G

Gene: WDPCP (WD repeat containing planar cell polarity effector; minus strand). Cytogenetic location: 2p15.
Variant type: single nucleotide variant.
Coding change: c.500-313A>G on transcript NM_015910.7 (MANE Select); 313 bases into the intron before coding-DNA position 500, A replaced by G.
Molecular consequence: intron variant. On other transcripts: missense variant (1), non-coding transcript variant (1).
Genome position (GRCh38, 1-based): chr2:63,437,867, T>C on the plus strand (A>G on the coding strand, the complement: WDPCP is on the minus strand). VCF-style: chr2-63437867-T-C. GRCh37 (hg19) VCF-style: chr2-63665001-T-C.
Other names: c.17A>G, p.His6Arg (NM_001042692.3); c.428-313A>G (NM_001354044.2); c.500-313A>G (NM_001354045.2); short protein forms H6R.
Identifiers: ClinVar variation 3354093 (VCV003354093.1).

ClinVar aggregate classification (germline): Uncertain significance (0 of 4 stars; one submission).

Conditions:
WDPCP-related disorder. Also called: WDPCP-related condition.

gnomAD v4.1: 4 of 1,598,824 alleles (0.00025%); highest among the groups gnomAD compares: Middle Eastern, 0.033%; no homozygotes.

Submission:

PreventionGenetics, part of Exact Sciences
Classification: Uncertain significance for WDPCP-related condition. Last evaluated: 2024-06-26. Review status: no assertion criteria provided. Collection method: clinical testing. Allele origin: germline.
Comment: The WDPCP c.17A>G variant is predicted to result in the amino acid substitution p.His6Arg. To our knowledge, this variant has not been reported in the literature or in a large population database, indicating this variant is rare. At this time, the clinical significance of this variant is uncertain due to the absence of conclusive functional and genetic evidence.